The following is an entry in ClinVar:

ClinVar aggregate classification (germline): Benign. Review status: criteria provided, multiple submitters, no conflicts (2 of 4 stars). 3 submissions from 3 submitters: Benign (2). 1 of the submissions does not count toward it. Last evaluated 2026-02-01.

Conditions:
OPLAH-related disorder. Also called: OPLAH-related condition.
5-Oxoprolinase deficiency (OPLAHD). Also called: 5-OXOPROLINURIA DUE TO 5-OXOPROLINASE DEFICIENCY. Identifiers: Orphanet 33572, MedGen C0268525, MONDO:0009825, OMIM 260005, HP:0040142.

Allele frequency attached by ClinVar (database versions not stated): 1000 Genomes Project 30x 0.12726; gnomAD 0.13449 and 0.14109; ExAC 0.08269; TOPMed 0.14668; 1000 Genomes Project 0.12081; ESP Exome Variant Server 0.14069; gnomAD exomes 0.07170.
gnomAD v4.1: 128,834 of 1,611,816 alleles (8%); highest among the groups gnomAD compares: African/African-American, 32%; 7,944 homozygotes.

Submissions (3):

Labcorp Genetics (formerly Invitae), Labcorp
Classification: Benign for 5-Oxoprolinase deficiency. Last evaluated: 2026-02-01. Review status: criteria provided, single submitter. Criteria: Invitae Variant Classification Sherloc (09022015). Collection method: clinical testing. Allele origin: germline.

Breakthrough Genomics
Classification: Benign. Review status: criteria provided, single submitter. Criteria: ACMG Guidelines, 2015. Collection method: not provided. Allele origin: germline. Inheritance: Autosomal recessive inheritance. Affected: yes.

PreventionGenetics, part of Exact Sciences
Classification: Benign for OPLAH-related condition. Last evaluated: 2019-11-14. Review status: no assertion criteria provided. Collection method: clinical testing. Allele origin: germline. Not counted in ClinVar's aggregate classification.
Comment: This variant is classified as benign based on ACMG/AMP sequence variant interpretation guidelines (Richards et al. 2015 PMID: 25741868, with internal and published modifications).

NM_017570.5(OPLAH):c.12C>G (p.Pro4=)

Gene: OPLAH (5-oxoprolinase, ATP-hydrolysing; minus strand). Cytogenetic location: 8q24.3.
Variant type: single nucleotide variant.
Coding change: c.12C>G on transcript NM_017570.5 (MANE Select); coding-DNA position 12, C replaced by G.
Protein change: p.Pro4=; no amino-acid change (proline 4 retained).
Molecular consequence: synonymous variant.
Genome position (GRCh38, 1-based): chr8:144,060,021, G>C on the plus strand (C>G on the coding strand, the complement: OPLAH is on the minus strand). VCF-style: chr8-144060021-G-C. GRCh37 (hg19) VCF-style: chr8-145114924-G-C.
Other names: c.12C>G (NM_017570.4).
Identifiers: ClinVar variation 1167019 (VCV001167019.10), dbSNP rs7003860, ClinGen allele CA4932432.